The following is an entry in ClinVar:

NM_001430.5(EPAS1):c.2020C>T (p.Pro674Ser)

Gene: EPAS1 (endothelial PAS domain protein 1; plus strand). Cytogenetic location: 2p21.
Variant type: single nucleotide variant.
Coding change: c.2020C>T on transcript NM_001430.5 (MANE Select); coding-DNA position 2020, C replaced by T.
Protein change: p.Pro674Ser; replaces proline 674 with serine.
Molecular consequence: missense variant.
Genome position (GRCh38, 1-based): chr2:46,380,692, C>T. VCF-style: chr2-46380692-C-T. GRCh37 (hg19) VCF-style: chr2-46607831-C-T.
Other names: short protein forms P674S.
Identifiers: ClinVar variation 1784551 (VCV001784551.2), dbSNP rs1162704184, ClinGen allele CA346705355.
Genomic context (GRCh38, chr2:46,380,692, plus strand): 5'-GTCGGGGATCAGCGCACAGAGTTCTTGGGAGCAGCGCCGTTGGGGCCCCCTGTCTCTCCA[C>T]CCCATGTCTCCACCTTCAAGACAAGGTAAGTGGCAGATACTCAGCTGTACCAGCAGGGCC-3'
Protein context (NP_001421.2, residues 664-684): AAPLGPPVSP[Pro674Ser]HVSTFKTRSA

ClinVar aggregate classification (germline): Uncertain significance (1 of 4 stars; one submission).

Conditions:
Inborn genetic diseases. Identifiers: MedGen C0950123, MeSH D030342.

Allele frequency attached by ClinVar (database versions not stated): gnomAD exomes below 0.00001; TOPMed below 0.00001.
gnomAD v4.1: 3 of 1,613,098 alleles (0.00019%); highest among the groups gnomAD compares: South Asian, 0.0011%; no homozygotes.

Submission:

Ambry Genetics
Classification: Uncertain significance for Inborn genetic diseases. Last evaluated: 2023-09-25. Review status: criteria provided, single submitter. Criteria: Ambry Variant Classification Scheme 2023. Collection method: clinical testing. Allele origin: germline.
Comment: The p.P674S variant (also known as c.2020C>T), located in coding exon 12 of the EPAS1 gene, results from a C to T substitution at nucleotide position 2020. The proline at codon 674 is replaced by serine, an amino acid with similar properties. This amino acid position is conserved. In addition, this alteration is predicted to be tolerated by in silico analysis. Since supporting evidence is limited at this time, the clinical significance of this alteration remains unclear.